The following is an entry in ClinVar:

NM_000170.3(GLDC):c.1048G>C (p.Gly350Arg)

Gene: GLDC (glycine decarboxylase; minus strand). Cytogenetic location: 9p24.1.
Variant type: single nucleotide variant.
Coding change: c.1048G>C on transcript NM_000170.3 (MANE Select); coding-DNA position 1048, G replaced by C.
Protein change: p.Gly350Arg; replaces glycine 350 with arginine.
Molecular consequence: missense variant.
Genome position (GRCh38, 1-based): chr9:6,604,598, C>G on the plus strand (G>C on the coding strand, the complement: GLDC is on the minus strand). VCF-style: chr9-6604598-C-G. GRCh37 (hg19) VCF-style: chr9-6604598-C-G.
Other names: short protein forms G350R.
Identifiers: ClinVar variation 2016208 (VCV002016208.1), dbSNP rs1187433701, ClinGen allele CA372895287.
Genomic context (GRCh38, chr9:6,604,598, plus strand): 5'-TCAGGGAAATCATAATCACAATAAAAGTAGAGAAACATGAGCCCCTTTACCTTGTTACCC[C>G]CACCATTCTTCCAGGCATCATTCTCACCAAGCTTTCTCGGACAGCAAAAAATGCTGCATG-3'
Protein context (NP_000161.2, residues 340-360): LVRMMPGRMV[Gly350Arg]VTRDATGKEV

ClinVar aggregate classification (germline): Uncertain significance (1 of 4 stars; one submission).

Conditions:
Glycine encephalopathy. Also called: Nonketotic hyperglycinemia; Non-ketotic hyperglycinemia. Identifiers: Orphanet 407, MedGen C0751748, MONDO:0011612, HP:0008288.

Allele frequency attached by ClinVar (database versions not stated): TOPMed below 0.00001.

Submission:

Labcorp Genetics (formerly Invitae), Labcorp
Classification: Uncertain significance for Glycine encephalopathy. Last evaluated: 2022-07-11. Review status: criteria provided, single submitter. Criteria: Invitae Variant Classification Sherloc (09022015). Collection method: clinical testing. Allele origin: germline.
Comment: This sequence change replaces glycine, which is neutral and non-polar, with arginine, which is basic and polar, at codon 350 of the GLDC protein (p.Gly350Arg). This variant is not present in population databases (gnomAD no frequency). This variant has not been reported in the literature in individuals affected with GLDC-related conditions. Advanced modeling of protein sequence and biophysical properties (such as structural, functional, and spatial information, amino acid conservation, physicochemical variation, residue mobility, and thermodynamic stability) performed at Invitae indicates that this missense variant is expected to disrupt GLDC protein function. Algorithms developed to predict the effect of sequence changes on RNA splicing suggest that this variant may disrupt the consensus splice site. In summary, the available evidence is currently insufficient to determine the role of this variant in disease. Therefore, it has been classified as a Variant of Uncertain Significance.